The following is an entry in ClinVar:

ClinVar aggregate classification (germline): Pathogenic (1 of 4 stars; one submission).

Conditions:
Neuronal ceroid lipofuscinosis 1 (CLN1). Also called: CEROID LIPOFUSCINOSIS, NEURONAL, 1, VARIABLE AGE AT ONSET; PPT1-Related Neuronal Ceroid-Lipofuscinosis. Identifiers: Orphanet 228329, MedGen C1850451, MONDO:0009744, OMIM 256730.

Submission:

Labcorp Genetics (formerly Invitae), Labcorp
Classification: Pathogenic for Neuronal ceroid lipofuscinosis 1. Last evaluated: 2023-12-11. Review status: criteria provided, single submitter. Criteria: Invitae Variant Classification Sherloc (09022015). Collection method: clinical testing. Allele origin: germline.
Comment: This sequence change creates a premature translational stop signal (p.Gln25*) in the PPT1 gene. It is expected to result in an absent or disrupted protein product. Loss-of-function variants in PPT1 are known to be pathogenic (PMID: 10679943, 21990111). Information on the frequency of this variant in the gnomAD database is not available, as this variant may be reported differently in the database. This variant has not been reported in the literature in individuals affected with PPT1-related conditions. ClinVar contains an entry for this variant (Variation ID: 2132906). For these reasons, this variant has been classified as Pathogenic.

Literature cited by the submitters: PubMed 10679943; PubMed 21990111.

NM_000310.4(PPT1):c.72_73delinsTT (p.Gln25Ter)

Gene: PPT1 (palmitoyl-protein thioesterase 1; minus strand). Cytogenetic location: 1p34.2.
Variant type: Indel.
Coding change: c.72_73delinsTT on transcript NM_000310.4 (MANE Select); coding-DNA positions 72 to 73, GC replaced by TT.
Protein change: p.Gln25Ter; replaces glutamine 25 with a stop codon.
Molecular consequence: nonsense.
Genome position (GRCh38, 1-based): chr1:40,097,166-40,097,167, GC replaced by AA on the plus strand (GC replaced by TT on the coding strand, the reverse complement: PPT1 is on the minus strand). VCF-style: chr1-40097166-GC-AA. GRCh37 (hg19) VCF-style: chr1-40562838-GC-AA.
Other names: c.72_73delinsTT, p.Gln25Ter (NM_001142604.2, NM_001363695.2); short protein forms Q25*.
Identifiers: ClinVar variation 2132906 (VCV002132906.4), dbSNP rs2523709453, ClinGen allele CA2580062750.
Genomic context (GRCh38, chr1:40,097,166, plus strand): 5'-CTCACTCACCCATCCCATGCCAGATCACCAACGGCAGCGGCGCCGGCGGGTCCAGATGCT[GC>AA]AGCGCCCGAGAAGCGCAGGTCCATGGCAGGAGAGCCACAGCCAAGAGCCACAGGCAGCCG-3'